The following is an entry in ClinVar:

ClinVar aggregate classification (germline): Likely benign. Review status: criteria provided, multiple submitters, no conflicts (2 of 4 stars). 6 submissions from 5 submitters: Likely benign (5). 1 of the submissions does not count toward it. Last evaluated 2025-12-28.

Conditions:
Autosomal dominant nocturnal frontal lobe epilepsy 5. Also called: KCNT1-Related Epilepsy; CILIARY DYSKINESIA, PRIMARY, 28, WITHOUT SITUS INVERSUS; CILIARY DYSKINESIA, PRIMARY, 28, WITH SITUS INVERSUS; Epilepsy, nocturnal frontal lobe, 5. Identifiers: Orphanet 98784, MedGen C3554306, MONDO:0014002, OMIM 615005.
KCNT1-related disorder. Also called: KCNT1-related condition.
Developmental and epileptic encephalopathy, 14 (DEE14). Also called: Early infantile epileptic encephalopathy 14. Identifiers: Orphanet 293181, MedGen C3554195, MONDO:0013989, OMIM 614959.

Allele frequency attached by ClinVar (database versions not stated): TOPMed 0.00011; gnomAD exomes 0.00016 and 0.00024; ExAC 0.00024; 1000 Genomes Project 30x 0.00031; 1000 Genomes Project 0.00040; gnomAD 0.00006 and 0.00011; ESP Exome Variant Server 0.00008.
gnomAD v4.1: 254 of 1,611,296 alleles (0.016%); highest among the groups gnomAD compares: South Asian, 0.12%; no homozygotes.

Submissions (6):

Labcorp Genetics (formerly Invitae), Labcorp
Classification: Likely benign for Autosomal dominant nocturnal frontal lobe epilepsy 5; Developmental and epileptic encephalopathy, 14. Last evaluated: 2025-12-28. Review status: criteria provided, single submitter. Criteria: Invitae Variant Classification Sherloc (09022015). Collection method: clinical testing. Allele origin: germline.

Blueprint Genetics
Classification: Likely benign. Last evaluated: 2023-07-28. Review status: criteria provided, single submitter. Criteria: ACMG Guidelines, 2015. Collection method: clinical testing. Allele origin: germline.

Genome-Nilou Lab
Classification: Likely benign for Developmental and epileptic encephalopathy, 14. Last evaluated: 2022-03-15. Review status: criteria provided, single submitter. Criteria: ACMG Guidelines, 2015. Collection method: clinical testing. Allele origin: germline. Affected: no.

Genome-Nilou Lab
Classification: Likely benign for Autosomal dominant nocturnal frontal lobe epilepsy 5. Last evaluated: 2022-03-15. Review status: criteria provided, single submitter. Criteria: ACMG Guidelines, 2015. Collection method: clinical testing. Allele origin: germline. Affected: no.

GeneDx
Classification: Likely benign. Last evaluated: 2017-05-18. Review status: criteria provided, single submitter. Criteria: GeneDx Variant Classification (06012015). Collection method: clinical testing. Allele origin: germline. Affected: yes.
Comment: This variant is considered likely benign or benign based on one or more of the following criteria: it is a conservative change, it occurs at a poorly conserved position in the protein, it is predicted to be benign by multiple in silico algorithms, and/or has population frequency not consistent with disease.

PreventionGenetics, part of Exact Sciences
Classification: Likely benign for KCNT1-related condition. Last evaluated: 2022-09-20. Review status: no assertion criteria provided. Collection method: clinical testing. Allele origin: germline. Not counted in ClinVar's aggregate classification.
Comment: This variant is classified as likely benign based on ACMG/AMP sequence variant interpretation guidelines (Richards et al. 2015 PMID: 25741868, with internal and published modifications).

NM_020822.3(KCNT1):c.533C>T (p.Ala178Val)

Gene: KCNT1 (potassium sodium-activated channel subfamily T member 1; plus strand). Cytogenetic location: 9q34.3.
Variant type: single nucleotide variant.
Coding change: c.533C>T on transcript NM_020822.3 (MANE Select); coding-DNA position 533, C replaced by T.
Protein change: p.Ala178Val; replaces alanine 178 with valine.
Molecular consequence: missense variant.
Genome position (GRCh38, 1-based): chr9:135,755,162, C>T. VCF-style: chr9-135755162-C-T. GRCh37 (hg19) VCF-style: chr9-138647008-C-T.
Other names: c.389C>T, p.Ala130Val (NM_001272003.2); short protein forms A178V, A130V.
Identifiers: ClinVar variation 388907 (VCV000388907.15), dbSNP rs141961737, ClinGen allele CA5326488.
Genomic context (GRCh38, chr9:135,755,162, plus strand): 5'-GCCTCCTTTCTCTTCCCAGGGCTCCTATTCTGTGGGTGGAGAGAAAGATGACACTGTGGG[C>T]GATCCAGGTGAGTGCCCTACCCTGCCCCCCTCCCGACTGCAGTGGTGCTCAGTAAGCACT-3'
Protein context (NP_065873.2, residues 168-188): LWVERKMTLW[Ala178Val]IQVIVAIISF